The following is an entry in ClinVar:

NM_004714.3(DYRK1B):c.1728C>T (p.Ser576=)

Gene: DYRK1B (dual specificity tyrosine phosphorylation regulated kinase 1B; minus strand). Cytogenetic location: 19q13.2.
Variant type: single nucleotide variant.
Coding change: c.1728C>T on transcript NM_004714.3 (MANE Select); coding-DNA position 1728, C replaced by T.
Protein change: p.Ser576=; no amino-acid change (serine 576 retained).
Molecular consequence: synonymous variant.
Genome position (GRCh38, 1-based): chr19:39,825,877, G>A on the plus strand (C>T on the coding strand, the complement: DYRK1B is on the minus strand). VCF-style: chr19-39825877-G-A. GRCh37 (hg19) VCF-style: chr19-40316517-G-A.
Other names: c.1608C>T, p.Ser536= (NM_006483.3); c.1644C>T, p.Ser548= (NM_006484.3).
Identifiers: ClinVar variation 4990374 (VCV004990374.1).

ClinVar aggregate classification (germline): Likely benign (1 of 4 stars; one submission).

Conditions:
DYRK1B-related disorder. Also called: DYRK1B-related condition.

gnomAD v4.1: 40 of 1,594,620 alleles (0.0025%); highest among the groups gnomAD compares: Non-Finnish European, 0.003%; no homozygotes.

Submission:

PreventionGenetics, part of Exact Sciences
Classification: Likely benign for DYRK1B-related condition. Last evaluated: 2024-11-12. Review status: criteria provided, single submitter. Criteria: ACMG Guidelines, 2015. Collection method: clinical testing. Allele origin: germline.
Comment: This variant is classified as likely benign based on ACMG/AMP sequence variant interpretation guidelines (Richards et al. 2015 PMID: 25741868, with internal and published modifications).